The following is an entry in ClinVar:

NM_006514.4(SCN10A):c.3002A>G (p.Glu1001Gly)

Genes: SCN10A (sodium voltage-gated channel alpha subunit 10; minus strand), LOC110121288 (VISTA enhancer hs2268; plus strand). Cytogenetic location: 3p22.2.
Variant type: single nucleotide variant.
Coding change: c.3002A>G on transcript NM_006514.4 (MANE Select); coding-DNA position 3002, A replaced by G.
Protein change: p.Glu1001Gly; replaces glutamic acid 1001 with glycine.
Molecular consequence: missense variant.
Genome position (GRCh38, 1-based): chr3:38,726,691, T>C on the plus strand (A>G on the coding strand, the complement: SCN10A is on the minus strand). VCF-style: chr3-38726691-T-C. GRCh37 (hg19) VCF-style: chr3-38768182-T-C.
Other names: c.3002A>G, p.Glu1001Gly (NM_001293306.2); c.2708A>G, p.Glu903Gly (NM_001293307.2); short protein forms E1001G, E903G.
Identifiers: ClinVar variation 4864119 (VCV004864119.1).
Genomic context (GRCh38, chr3:38,726,691, plus strand): 5'-TGGAAGCTCTGAGCATCTTCCCCACCATCATCCTCCAAGTCATCAAGATCAGATTCACCC[T>C]CAGCAATGGGCACAGAGACCCACACAGTCGGATTAGCGATGAAGTCACTGTGCTCATCCC-3'
Protein context (NP_006505.4, residues 991-1011): PTVWVSVPIA[Glu1001Gly]GESDLDDLED

ClinVar aggregate classification (germline): Uncertain significance (1 of 4 stars; one submission).

Conditions:
Cardiovascular phenotype. Identifiers: MedGen CN230736.

Submission:

Ambry Genetics
Classification: Uncertain significance for Cardiovascular phenotype. Last evaluated: 2026-06-12. Review status: criteria provided, single submitter. Criteria: Ambry Variant Classification Scheme 2023. Collection method: clinical testing. Allele origin: germline.
Comment: The p.E1001G variant (also known as c.3002A>G), located in coding exon 16 of the SCN10A gene, results from an A to G substitution at nucleotide position 3002. The glutamic acid at codon 1001 is replaced by glycine, an amino acid with similar properties. This amino acid position is conserved. In addition, this alteration is predicted to be tolerated by in silico analysis. Based on the available evidence, the clinical significance of this variant remains unclear.